The following is an entry in ClinVar:

NM_001130965.3(SUN1):c.2114A>G (p.Asn705Ser)

Gene: SUN1 (Sad1 and UNC84 domain containing 1; plus strand). Cytogenetic location: 7p22.3.
Variant type: single nucleotide variant.
Coding change: c.2114A>G on transcript NM_001130965.3 (MANE Select); coding-DNA position 2114, A replaced by G.
Protein change: p.Asn705Ser; replaces asparagine 705 with serine.
Molecular consequence: missense variant. On other transcripts: non-coding transcript variant (3).
Genome position (GRCh38, 1-based): chr7:869,482, A>G. VCF-style: chr7-869482-A-G. GRCh37 (hg19) VCF-style: chr7-909119-A-G.
Other names: p.Asn705Ser; c.2156A>G, p.Asn719Ser (NM_001367647.1, NM_001367668.1); c.1976A>G, p.Asn659Ser (NM_001367648.1); c.2159A>G, p.Asn720Ser (NM_001367649.1); c.2528A>G, p.Asn843Ser (NM_001367651.1); c.2114A>G, p.Asn705Ser (NM_001367653.1, NM_001367633.1, NM_001367634.1); c.2324A>G, p.Asn775Ser (NM_001367655.1, NM_001367700.1); c.1400A>G, p.Asn467Ser (NM_001367658.1); and 44 more; short protein forms N705S, N588S, N649S, N700S, N714S, N719S, N755S, N769S.
Identifiers: ClinVar variation 461648 (VCV000461648.15), dbSNP rs138051124, ClinGen allele CA4112486.
Genomic context (GRCh38, chr7:869,482, plus strand): 5'-TGATCCACCCAGCCGCCTTCACTCTGGAGCACATCCCTAAGACGCTGTCGCCAACAGGCA[A>G]CATCAGCAGCGCCCCCAAGGACTTCGCCGTCTATGTGAGTGCCCTTGGCCGACCCTCCTC-3'
Protein context (NP_001124437.1, residues 695-715): HIPKTLSPTG[Asn705Ser]ISSAPKDFAV

ClinVar aggregate classification (germline): Benign. Review status: criteria provided, multiple submitters, no conflicts (2 of 4 stars). 3 submissions from 3 submitters: Benign (2). 1 of the submissions does not count toward it. Last evaluated 2026-01-26.

Conditions:
SUN1-related disorder. Also called: SUN1-related condition.
Emery-Dreifuss muscular dystrophy (EDMD). Also called: Scapuloperoneal syndrome, X-linked (formerly); Humeroperoneal neuromuscular disease, (formerly). Identifiers: Orphanet 261, MedGen C0410189, MONDO:0016830.

Allele frequency attached by ClinVar (database versions not stated): gnomAD exomes 0.00043 and 0.00108; ExAC 0.00138; 1000 Genomes Project 30x 0.00500; gnomAD 0.00511 and 0.00549; 1000 Genomes Project 0.00519; TOPMed 0.00560; ESP Exome Variant Server 0.00569.
gnomAD v4.1: 1,430 of 1,613,806 alleles (0.089%); highest among the groups gnomAD compares: African/African-American, 1.7%; 15 homozygotes.

Submissions (3):

Labcorp Genetics (formerly Invitae), Labcorp
Classification: Benign for Emery-Dreifuss muscular dystrophy. Last evaluated: 2026-01-26. Review status: criteria provided, single submitter. Criteria: Invitae Variant Classification Sherloc (09022015). Collection method: clinical testing. Allele origin: germline.

Mayo Clinic Laboratories, Mayo Clinic
Classification: Benign. Last evaluated: 2025-02-26. Review status: criteria provided, single submitter. Criteria: ACMG Guidelines, 2015. Collection method: clinical testing. Allele origin: germline. Observed: 2 variant alleles.
Comment: BS1, BS2, BP4_moderate

PreventionGenetics, part of Exact Sciences
Classification: Benign for SUN1-related condition. Last evaluated: 2019-04-16. Review status: no assertion criteria provided. Collection method: clinical testing. Allele origin: germline. Not counted in ClinVar's aggregate classification.
Comment: This variant is classified as benign based on ACMG/AMP sequence variant interpretation guidelines (Richards et al. 2015 PMID: 25741868, with internal and published modifications).